The following is an entry in ClinVar:

NM_001356.5(DDX3X):c.1663G>T (p.Asp555Tyr)

Gene: DDX3X (DEAD-box helicase 3 X-linked; plus strand). Cytogenetic location: Xp11.4.
Variant type: single nucleotide variant.
Coding change: c.1663G>T on transcript NM_001356.5 (MANE Select); coding-DNA position 1663, G replaced by T.
Protein change: p.Asp555Tyr; replaces aspartic acid 555 with tyrosine.
Molecular consequence: missense variant. On other transcripts: non-coding transcript variant (1).
Genome position (GRCh38, 1-based): chrX:41,346,906, G>T. VCF-style: chrX-41346906-G-T. GRCh37 (hg19) VCF-style: chrX-41206159-G-T.
Other names: c.1663G>T, p.Asp555Tyr (NM_001193416.3); c.1615G>T, p.Asp539Tyr (NM_001193417.3); c.1105G>T, p.Asp369Tyr (NM_001363819.1); short protein forms D369Y, D539Y, D555Y.
Identifiers: ClinVar variation 3359111 (VCV003359111.2).
Genomic context (GRCh38, chrX:41,346,906, plus strand): 5'-GGAACTCTTTTAGGCCTGGCAACCTCATTCTTTAACGAGAGGAACATAAATATTACTAAG[G>T]ATTTGTTGGATCTTCTTGTTGAAGCTAAACAAGAAGTGCCGTCTTGGTTAGAAAACATGG-3'
Protein context (NP_001347.3, residues 545-565): FNERNINITK[Asp555Tyr]LLDLLVEAKQ

ClinVar aggregate classification (germline): Uncertain significance (1 of 4 stars; one submission).

Conditions:
Intellectual disability, X-linked 102 (MRXSSB). Also called: Intellectual developmental disorder, X-linked syndromic, Snijders Blok type. Identifiers: Orphanet 457260, MedGen C5393299, MONDO:0010497, OMIM 300958.

Submission:

Institute of Human Genetics, University of Leipzig Medical Center
Classification: Uncertain significance for Intellectual disability, X-linked 102. Last evaluated: 2022-05-04. Review status: criteria provided, single submitter. Criteria: ACMG Guidelines, 2015. Collection method: clinical testing. Allele origin: maternal. Inheritance: X-linked recessive inheritance. Affected: yes.
Comment: Criteria applied: PM1_SUP, PM2_SUP, PP2_SUP, PP3_SUP